The following is an entry in ClinVar:

NM_000548.5(TSC2):c.2772T>C (p.Phe924=)

Gene: TSC2 (TSC complex subunit 2; plus strand). Cytogenetic location: 16p13.3.
Variant type: single nucleotide variant.
Coding change: c.2772T>C on transcript NM_000548.5 (MANE Select); coding-DNA position 2772, T replaced by C.
Protein change: p.Phe924=; no amino-acid change (phenylalanine 924 retained).
Molecular consequence: synonymous variant. On other transcripts: non-coding transcript variant (5).
Genome position (GRCh38, 1-based): chr16:2,076,520, T>C. VCF-style: chr16-2076520-T-C. GRCh37 (hg19) VCF-style: chr16-2126521-T-C.
Other names: c.2772T>C, p.Phe924= (NM_001077183.3, NM_001114382.3, NM_001363528.2 and 6 more transcripts); c.2661T>C, p.Phe887= (NM_001318827.2, NM_001406670.1, NM_001406678.1); c.2625T>C, p.Phe875= (NM_001318829.2, NM_001406675.1, NM_001406676.1 and 1 more transcripts); c.2172T>C, p.Phe724= (NM_001318831.2, NM_001406680.1, NM_001406682.1 and 6 more transcripts); c.2805T>C, p.Phe935= (NM_001318832.2); c.2862T>C, p.Phe954= (NM_001406667.1, NM_001406668.1); c.2760T>C, p.Phe920= (NM_001406671.1, NM_001406673.1); c.2715T>C, p.Phe905= (NM_001406677.1); and 3 more.
Identifiers: ClinVar variation 1944998 (VCV001944998.7), dbSNP rs2089406887, ClinGen allele CA492954367.

ClinVar aggregate classification (germline): Likely benign. Review status: criteria provided, multiple submitters, no conflicts (2 of 4 stars). 3 submissions from 3 submitters: Likely benign (3). Last evaluated 2025-04-25.

Conditions:
Tuberous sclerosis syndrome (TSC). Also called: Tuberous Sclerosis Complex; Tuberous sclerosis. Identifiers: Orphanet 805, MedGen C0041341, MONDO:0001734.
Tuberous sclerosis 2 (TSC2). Identifiers: Orphanet 805, MedGen C1860707, MONDO:0013199, OMIM 613254.
Hereditary cancer-predisposing syndrome. Also called: Neoplastic Syndromes, Hereditary; Hereditary neoplastic syndrome; Tumor predisposition; Hereditary Cancer Syndrome. Identifiers: Orphanet 140162, MedGen C0027672, MeSH D009386, MONDO:0015356.

Allele frequency attached by ClinVar (database versions not stated): gnomAD exomes below 0.00001.

Submissions (3):

Ambry Genetics
Classification: Likely benign for Hereditary cancer-predisposing syndrome. Last evaluated: 2025-04-25. Review status: criteria provided, single submitter. Criteria: Ambry Variant Classification Scheme 2023. Collection method: clinical testing. Allele origin: germline.

All of Us Research Program, National Institutes of Health
Classification: Likely benign for Tuberous sclerosis syndrome. Last evaluated: 2023-11-20. Review status: criteria provided, single submitter. Criteria: ACMG Guidelines, 2015. Collection method: clinical testing. Allele origin: germline. Inheritance: Autosomal dominant inheritance. Observed: 1 variant allele, 1 heterozygote.
Comment: This study involves interpretation of variants in research participants for the purpose of population health screening. Participant phenotype was not available at the time of variant classification. Additional details can be found in publication PMID: 35346344, PMCID: PMC8962531

Labcorp Genetics (formerly Invitae), Labcorp
Classification: Likely benign for Tuberous sclerosis 2. Last evaluated: 2021-12-02. Review status: criteria provided, single submitter. Criteria: Invitae Variant Classification Sherloc (09022015). Collection method: clinical testing. Allele origin: germline.